The following is an entry in ClinVar:

NM_001134831.2(AHI1):c.2764+155G>T

Gene: AHI1 (Abelson helper integration site 1; minus strand). Cytogenetic location: 6q23.3.
Variant type: single nucleotide variant.
Coding change: c.2764+155G>T on transcript NM_001134831.2 (MANE Select); 155 bases into the intron after coding-DNA position 2764, G replaced by T.
Molecular consequence: intron variant.
Genome position (GRCh38, 1-based): chr6:135,427,012, C>A on the plus strand (G>T on the coding strand, the complement: AHI1 is on the minus strand). VCF-style: chr6-135427012-C-A. GRCh37 (hg19) VCF-style: chr6-135748150-C-A.
Other names: c.2764+155G>T (NM_001134830.2, NM_001350503.2, NM_017651.5 and 2 more transcripts).
Identifiers: ClinVar variation 678367 (VCV000678367.1), dbSNP rs111943924, ClinGen allele CA148117067.
Genomic context (GRCh38, chr6:135,427,012, plus strand): 5'-AATTTAGTTAACATATTCCAAATAATTTTTAGGTGAATTCTATTTACTTAAATTGATTTA[C>A]AAAGAAACTTGTGGCTAGCTTTCTGTGATTCCAACATAAGGGCACAATTATTATGTGTAC-3'

ClinVar aggregate classification (germline): Likely benign (1 of 4 stars; one submission).

Allele frequency attached by ClinVar (database versions not stated): gnomAD 0.00401 and 0.00428; 1000 Genomes Project 0.00479; TOPMed 0.00493; 1000 Genomes Project 30x 0.00578.
gnomAD v4.1: 608 of 151,736 alleles (0.4%); highest among the groups gnomAD compares: African/African-American, 1.2%; 7 homozygotes.

Submission:

GeneDx
Classification: Likely benign. Last evaluated: 2018-06-16. Review status: criteria provided, single submitter. Criteria: GeneDx Variant Classification (06012015). Collection method: clinical testing. Allele origin: germline. Affected: yes.
Comment: This variant is considered likely benign or benign based on one or more of the following criteria: it is a conservative change, it occurs at a poorly conserved position in the protein, it is predicted to be benign by multiple in silico algorithms, and/or has population frequency not consistent with disease.